The following is an entry in ClinVar:

ClinVar aggregate classification (germline): Uncertain significance (1 of 4 stars; one submission).

Conditions:
Intellectual developmental disorder with autism and speech delay. Also called: Autism 5; AUTISM-RELATED SPEECH DELAY; PHRASE SPEECH DELAY, AUTISM-RELATED; AUTS5; Autism, susceptibility to, 5. Identifiers: MedGen C1853755, MONDO:0011627, OMIM 606053.

Allele frequency attached by ClinVar (database versions not stated): gnomAD exomes below 0.00001.

Submission:

Neuberg Centre For Genomic Medicine, NCGM
Classification: Uncertain significance for Intellectual developmental disorder with autism and speech delay. Review status: criteria provided, single submitter. Criteria: ACMG Guidelines, 2015. Collection method: clinical testing. Allele origin: germline. Affected: yes.
Comment: The missense variant c.842T>C (p.Val281Ala) in TBR1 gene has not been reported previously as a pathogenic variant nor as a benign variant, to our knowledge. The p.Val281Ala variant is novel (not in any individuals) in 1000 Genomes and allele frequency of 0.000003980 is reported in gnomAD. The amino acid Val at position 281 is changed to a Ala changing protein sequence and it might alter its composition and physico-chemical properties. The variant is predicted to be damaging by both SIFT and PolyPhen2. The residue is conserved across species. The amino acid change p.Val281Ala in TBR1 is predicted as conserved by GERP++ and PhyloP across 100 vertebrates. For these reasons, this variant has been classified as Uncertain Significance .

NM_006593.4(TBR1):c.842T>C (p.Val281Ala)

Gene: TBR1 (T-box brain transcription factor 1; plus strand). Cytogenetic location: 2q24.2.
Variant type: single nucleotide variant.
Coding change: c.842T>C on transcript NM_006593.4 (MANE Select); coding-DNA position 842, T replaced by C.
Protein change: p.Val281Ala; replaces valine 281 with alanine.
Molecular consequence: missense variant.
Genome position (GRCh38, 1-based): chr2:161,417,825, T>C. VCF-style: chr2-161417825-T-C. GRCh37 (hg19) VCF-style: chr2-162274336-T-C.
Other names: short protein forms V281A.
Identifiers: ClinVar variation 1878590 (VCV001878590.1), dbSNP rs1322670879, ClinGen allele CA349212336.